The following is an entry in ClinVar:

ClinVar aggregate classification (germline): Uncertain significance (1 of 4 stars; one submission).

Submission:

Labcorp Genetics (formerly Invitae), Labcorp
Classification: Uncertain significance. Last evaluated: 2020-03-23. Review status: criteria provided, single submitter. Criteria: Invitae Variant Classification Sherloc (09022015). Collection method: clinical testing. Allele origin: germline.
Comment: Algorithms developed to predict the effect of missense changes on protein structure and function are either unavailable or do not agree on the potential impact of this missense change (SIFT: "Tolerated"; PolyPhen-2: "Possibly Damaging"; Align-GVGD: "Class C0"). This sequence change replaces serine with arginine at codon 992 of the HSPG2 protein (p.Ser992Arg). The serine residue is weakly conserved and there is a moderate physicochemical difference between serine and arginine. This variant is not present in population databases (ExAC no frequency). This variant has not been reported in the literature in individuals with HSPG2-related conditions. In summary, the available evidence is currently insufficient to determine the role of this variant in disease. Therefore, it has been classified as a Variant of Uncertain Significance.

NM_005529.7(HSPG2):c.2976C>G (p.Ser992Arg)

Gene: HSPG2 (heparan sulfate proteoglycan 2; minus strand). Cytogenetic location: 1p36.12.
Variant type: single nucleotide variant.
Coding change: c.2976C>G on transcript NM_005529.7 (MANE Select); coding-DNA position 2976, C replaced by G.
Protein change: p.Ser992Arg; replaces serine 992 with arginine.
Molecular consequence: missense variant.
Genome position (GRCh38, 1-based): chr1:21,876,256, G>C on the plus strand (C>G on the coding strand, the complement: HSPG2 is on the minus strand). VCF-style: chr1-21876256-G-C. GRCh37 (hg19) VCF-style: chr1-22202749-G-C.
Other names: c.2979C>G, p.Ser993Arg (NM_001291860.2); short protein forms S993R, S992R.
Identifiers: ClinVar variation 1042350 (VCV001042350.8), dbSNP rs1641054104, ClinGen allele CA338962623.